The following is an entry in ClinVar:

NM_152750.5(CDHR3):c.1332C>T (p.Asn444=)

Gene: CDHR3 (cadherin related family member 3; plus strand). Cytogenetic location: 7q22.3.
Variant type: single nucleotide variant.
Coding change: c.1332C>T on transcript NM_152750.5 (MANE Select); coding-DNA position 1332, C replaced by T.
Protein change: p.Asn444=; no amino-acid change (asparagine 444 retained).
Molecular consequence: synonymous variant.
Genome position (GRCh38, 1-based): chr7:106,015,931, C>T. VCF-style: chr7-106015931-C-T. GRCh37 (hg19) VCF-style: chr7-105656377-C-T.
Other names: c.1068C>T, p.Asn356= (NM_001301161.2).
Identifiers: ClinVar variation 2657922 (VCV002657922.24), dbSNP rs202005767, ClinGen allele CA4427847.
Genomic context (GRCh38, chr7:106,015,931, plus strand): 5'-AAACAAATGGATGAGTATGGATTTGTGATTAAATGTGTTTCTATTTCCATTTTTAGATAA[C>T]GTCTACGTTTATATCCTAACAAGCCCAGAAAATGAGTTTCCTCTCATTTTTGATAGGCCA-3'
Protein context (NP_689963.2, residues 434-454): QDVAPPYYKN[Asn444=]VYVYILTSPE

ClinVar aggregate classification (germline): Likely benign (1 of 4 stars; one submission).

Allele frequency attached by ClinVar (database versions not stated): ESP Exome Variant Server 0.00042; gnomAD 0.00059; 1000 Genomes Project 0.00060; 1000 Genomes Project 30x 0.00062; gnomAD exomes 0.00062; TOPMed 0.00064; ExAC 0.00129.
gnomAD v4.1: 997 of 1,602,040 alleles (0.062%); highest among the groups gnomAD compares: Middle Eastern, 0.61%; 4 homozygotes.

Submission:

CeGaT Center for Human Genetics Tuebingen
Classification: Likely benign. Last evaluated: 2023-04-01. Review status: criteria provided, single submitter. Criteria: CeGaT Center For Human Genetics Tuebingen Variant Classification Criteria Version 2. Collection method: clinical testing. Allele origin: germline. Affected: yes. Observed: 1 variant allele.
Comment: CDHR3: BP4, BP7